The following is an entry in ClinVar:

ClinVar aggregate classification (germline): Uncertain significance (1 of 4 stars; one submission).

Submission:

GeneDx
Classification: Uncertain significance. Last evaluated: 2024-10-28. Review status: criteria provided, single submitter. Criteria: GeneDx Variant Classification Process June 2021. Collection method: clinical testing. Allele origin: germline. Affected: yes.
Comment: In silico analysis indicates that this missense variant does not alter protein structure/function; Has not been previously published as pathogenic or benign to our knowledge

NM_001696.4(ATP6V1E1):c.317T>C (p.Val106Ala)

Gene: ATP6V1E1 (ATPase H+ transporting V1 subunit E1; minus strand). Cytogenetic location: 22q11.21.
Variant type: single nucleotide variant.
Coding change: c.317T>C on transcript NM_001696.4 (MANE Select); coding-DNA position 317, T replaced by C.
Protein change: p.Val106Ala; replaces valine 106 with alanine.
Molecular consequence: missense variant. On other transcripts: intron variant (1).
Genome position (GRCh38, 1-based): chr22:17,601,141, A>G on the plus strand (T>C on the coding strand, the complement: ATP6V1E1 is on the minus strand). VCF-style: chr22-17601141-A-G. GRCh37 (hg19) VCF-style: chr22-18083907-A-G.
Other names: c.251T>C, p.Val84Ala (NM_001039366.1); c.277-1046T>C (NM_001039367.1); short protein forms V106A, V84A.
Identifiers: ClinVar variation 3893480 (VCV003893480.1).